The following is an entry in ClinVar:

ClinVar aggregate classification (germline): Uncertain significance (1 of 4 stars; one submission).

Conditions:
Aortic valve disease 2 (AOVD2). Identifiers: MedGen C3542024, MONDO:0013902, OMIM 614823.

Submission:

Labcorp Genetics (formerly Invitae), Labcorp
Classification: Uncertain significance for Aortic valve disease 2. Last evaluated: 2024-10-08. Review status: criteria provided, single submitter. Criteria: Invitae Variant Classification Sherloc (09022015). Collection method: clinical testing. Allele origin: germline.
Comment: This sequence change results in a frameshift in the SMAD6 gene (p.Asp460Glyfs*108). While this is not anticipated to result in nonsense mediated decay, it is expected to disrupt the last 37 amino acid(s) of the SMAD6 protein and extend the protein by 70 additional amino acid residues. This variant is not present in population databases (gnomAD no frequency). This variant has not been reported in the literature in individuals affected with SMAD6-related conditions. Experimental studies and prediction algorithms are not available or were not evaluated, and the functional significance of this variant is currently unknown. In summary, the available evidence is currently insufficient to determine the role of this variant in disease. Therefore, it has been classified as a Variant of Uncertain Significance.

NM_005585.5(SMAD6):c.1369_1378dup (p.Asp460fs)

Gene: SMAD6 (SMAD family member 6; plus strand). Cytogenetic location: 15q22.31.
Variant type: Duplication.
Coding change: c.1369_1378dup on transcript NM_005585.5 (MANE Select); coding-DNA positions 1369 to 1378, 10 bases duplicated (GGCCCCTACG; older notation c.1369_1378dupGGCCCCTACG).
Protein change: p.Asp460fs; shifts the reading frame from aspartic acid 460.
Molecular consequence: frameshift variant. On other transcripts: non-coding transcript variant (1).
Genome position (GRCh38, 1-based): chr15:66,781,413-66,781,422, GGCCCCTACG duplicated. VCF-style (leftmost placement, unchanged base first): chr15-66781412-C-CGGCCCCTACG. GRCh37 (hg19) VCF-style: chr15-67073750-C-CGGCCCCTACG.
Other names: short protein forms D460fs.
Identifiers: ClinVar variation 3722452 (VCV003722452.2).
Genomic context (GRCh38, chr15:66,781,412, plus strand): 5'-CAAGGTGTTCGACTTCGAGCGCTCGGGCCTGCAGCACGCGCCCGAGCCCGACGCCGCCGA[C>CGGCCCCTACG]GGCCCCTACGACCCCAACAGCGTCCGCATCAGCTTCGCCAAGGGCTGGGGGCCCTGCTAC-3'